The following is an entry in ClinVar:

ClinVar aggregate classification (germline): Likely benign (1 of 4 stars; one submission).

Submission:

CeGaT Center for Human Genetics Tuebingen
Classification: Likely benign. Last evaluated: 2022-09-01. Review status: criteria provided, single submitter. Criteria: CeGaT Center For Human Genetics Tuebingen Variant Classification Criteria Version 2. Collection method: clinical testing. Allele origin: germline. Affected: yes. Observed: 1 variant allele.
Comment: TG: PM2:Supporting, BP4, BP7

NM_003235.5(TG):c.3879A>G (p.Gln1293=)

Gene: TG (thyroglobulin; plus strand). Cytogenetic location: 8q24.22.
Variant type: single nucleotide variant.
Coding change: c.3879A>G on transcript NM_003235.5 (MANE Select); coding-DNA position 3879, A replaced by G.
Protein change: p.Gln1293=; no amino-acid change (glutamine 1293 retained).
Molecular consequence: synonymous variant.
Genome position (GRCh38, 1-based): chr8:132,908,217, A>G. VCF-style: chr8-132908217-A-G. GRCh37 (hg19) VCF-style: chr8-133920462-A-G.
Identifiers: ClinVar variation 2658834 (VCV002658834.24), dbSNP rs577857070, ClinGen allele CA463011575.